The following is an entry in ClinVar:

ClinVar aggregate classification (germline): Pathogenic (1 of 4 stars; one submission).

Conditions:
Hereditary nonpolyposis colon cancer (HNPCC). Also called: Hereditary nonpolyposis colorectal cancer; Familial nonpolyposis colon cancer; Hereditary Nonpolyposis Colorectal Cancer Syndrome. Identifiers: Orphanet 443909, MedGen C1333990, MONDO:0018630. Disease mechanism: loss of function.

Submission:

Women's Health and Genetics/Laboratory Corporation of America, LabCorp
Classification: Pathogenic for Hereditary nonpolyposis colon cancer. Last evaluated: 2024-06-11. Review status: criteria provided, single submitter. Criteria: LabCorp Variant Classification Summary - May 2015. Collection method: clinical testing. Allele origin: germline.
Comment: Variant summary: The variant involves the deletion of exons 2-9 in the PMS2 gene. This Copy Number Variant (CNV) is expected to alter the reading frame and predicted to result in a truncation or absence of the encoded protein due to nonsense mediated decay (NMD). A presumed nomenclature of c.(23+1_24-1)_(988+1_989-1)del has been designated for the purposes of this classification. The variant was absent in 21694 control chromosomes (gnomAD). c.(23+1_24-1)_(988+1_989-1)del has been reported in the literature in an individual(s) affected with Lynch Syndrome (e.g. Li_2015). The following publication has been ascertained in the context of this evaluation (PMID: 26320870). ClinVar contains an entry for this variant (Variation ID: 833043). Based on the evidence outlined above, the variant was classified as pathogenic.

Literature cited by the submitters: PubMed 26320870.

NC_000007.13:g.(6029587_6031603)_(6045663_6048627)del

Gene: PMS2 (PMS1 homolog 2, mismatch repair system component; minus strand). Cytogenetic location: 7p22.1.
Variant type: Deletion.
Identifiers: ClinVar variation 3339608 (VCV003339608.1).